The following is an entry in ClinVar:

NM_021629.4(GNB4):c.530C>A (p.Thr177Asn)

Gene: GNB4 (G protein subunit beta 4; minus strand). Cytogenetic location: 3q26.33.
Variant type: single nucleotide variant.
Coding change: c.530C>A on transcript NM_021629.4 (MANE Select); coding-DNA position 530, C replaced by A.
Protein change: p.Thr177Asn; replaces threonine 177 with asparagine.
Molecular consequence: missense variant.
Genome position (GRCh38, 1-based): chr3:179,413,581, G>T on the plus strand (C>A on the coding strand, the complement: GNB4 is on the minus strand). VCF-style: chr3-179413581-G-T. GRCh37 (hg19) VCF-style: chr3-179131369-G-T.
Other names: short protein forms T177N.
Identifiers: ClinVar variation 1945421 (VCV001945421.5), dbSNP rs1274879698, ClinGen allele CA355469609.

ClinVar aggregate classification (germline): Uncertain significance (1 of 4 stars; one submission).

Conditions:
Charcot-Marie-Tooth disease dominant intermediate F. Identifiers: Orphanet 352670, MedGen C4749463, MONDO:0014074, OMIM 615185.

Allele frequency attached by ClinVar (database versions not stated): gnomAD 0.00001; gnomAD exomes 0.00001; TOPMed 0.00004.
gnomAD v4.1: 20 of 1,613,994 alleles (0.0012%); highest among the groups gnomAD compares: East Asian, 0.04%; no homozygotes.

Submission:

Labcorp Genetics (formerly Invitae), Labcorp
Classification: Uncertain significance for Charcot-Marie-Tooth disease dominant intermediate F. Last evaluated: 2024-01-06. Review status: criteria provided, single submitter. Criteria: Invitae Variant Classification Sherloc (09022015). Collection method: clinical testing. Allele origin: germline.
Comment: This sequence change replaces threonine, which is neutral and polar, with asparagine, which is neutral and polar, at codon 177 of the GNB4 protein (p.Thr177Asn). This variant is present in population databases (no rsID available, gnomAD 0.006%). This missense change has been observed in individual(s) with clinical features of Charcot-Marie-Tooth disease (PMID: 34071515). ClinVar contains an entry for this variant (Variation ID: 1945421). Advanced modeling of protein sequence and biophysical properties (such as structural, functional, and spatial information, amino acid conservation, physicochemical variation, residue mobility, and thermodynamic stability) performed at Invitae indicates that this missense variant is not expected to disrupt GNB4 protein function with a negative predictive value of 80%. In summary, the available evidence is currently insufficient to determine the role of this variant in disease. Therefore, it has been classified as a Variant of Uncertain Significance.

Literature cited by the submitters: PubMed 34071515.